The following is an entry in ClinVar:

NM_000717.5(CA4):c.239C>T (p.Thr80Met)

Gene: CA4 (carbonic anhydrase 4; plus strand). Cytogenetic location: 17q23.1.
Variant type: single nucleotide variant.
Coding change: c.239C>T on transcript NM_000717.5 (MANE Select); coding-DNA position 239, C replaced by T.
Protein change: p.Thr80Met; replaces threonine 80 with methionine.
Molecular consequence: missense variant. On other transcripts: non-coding transcript variant (1).
Genome position (GRCh38, 1-based): chr17:60,156,686, C>T. VCF-style: chr17-60156686-C-T. GRCh37 (hg19) VCF-style: chr17-58234047-C-T.
Other names: short protein forms T80M.
Identifiers: ClinVar variation 1467597 (VCV001467597.7), dbSNP rs778493161, ClinGen allele CA8685270.

ClinVar aggregate classification (germline): Conflicting classifications of pathogenicity. Review status: criteria provided, conflicting classifications (1 of 4 stars). 2 submissions from 2 submitters: Uncertain significance (1); Likely benign (1). Last evaluated 2025-09-15.

Allele frequency attached by ClinVar (database versions not stated): gnomAD 0.00001; ExAC 0.00002; gnomAD exomes 0.00003; TOPMed 0.00003; 1000 Genomes Project 30x 0.00016.
gnomAD v4.1: 43 of 1,614,150 alleles (0.0027%); highest among the groups gnomAD compares: Admixed American, 0.015%; no homozygotes.

Submissions (2):

Labcorp Genetics (formerly Invitae), Labcorp
Classification: Uncertain significance. Last evaluated: 2025-09-15. Review status: criteria provided, single submitter. Criteria: Invitae Variant Classification Sherloc (09022015). Collection method: clinical testing. Allele origin: germline.
Comment: This sequence change replaces threonine, which is neutral and polar, with methionine, which is neutral and non-polar, at codon 80 of the CA4 protein (p.Thr80Met). This variant is present in population databases (rs778493161, gnomAD 0.02%). This variant has not been reported in the literature in individuals affected with CA4-related conditions. ClinVar contains an entry for this variant (Variation ID: 1467597). Invitae Evidence Modeling of protein sequence and biophysical properties (such as structural, functional, and spatial information, amino acid conservation, physicochemical variation, residue mobility, and thermodynamic stability) indicates that this missense variant is not expected to disrupt CA4 protein function with a negative predictive value of 80%. In summary, the available evidence is currently insufficient to determine the role of this variant in disease. Therefore, it has been classified as a Variant of Uncertain Significance.

Blueprint Genetics
Classification: Likely benign. Last evaluated: 2021-11-15. Review status: criteria provided, single submitter. Criteria: ACMG Guidelines, 2015. Collection method: clinical testing. Allele origin: germline.